The following is an entry in ClinVar:

NM_014991.6(WDFY3):c.4963A>G (p.Asn1655Asp)

Gene: WDFY3 (WD repeat and FYVE domain containing 3; minus strand). Cytogenetic location: 4q21.23.
Variant type: single nucleotide variant.
Coding change: c.4963A>G on transcript NM_014991.6 (MANE Select); coding-DNA position 4963, A replaced by G.
Protein change: p.Asn1655Asp; replaces asparagine 1655 with aspartic acid.
Molecular consequence: missense variant.
Genome position (GRCh38, 1-based): chr4:84,766,259, T>C on the plus strand (A>G on the coding strand, the complement: WDFY3 is on the minus strand). VCF-style: chr4-84766259-T-C. GRCh37 (hg19) VCF-style: chr4-85687412-T-C.
Other names: short protein forms N1655D.
Identifiers: ClinVar variation 2578179 (VCV002578179.1), dbSNP rs2532849516, ClinGen allele CA357543289.

ClinVar aggregate classification (germline): Uncertain significance (1 of 4 stars; one submission).

Submission:

GeneDx
Classification: Uncertain significance. Last evaluated: 2023-03-03. Review status: criteria provided, single submitter. Criteria: GeneDx Variant Classification Process June 2021. Collection method: clinical testing. Allele origin: germline. Affected: yes.
Comment: Not observed at significant frequency in large population cohorts (gnomAD); In silico analysis supports that this missense variant has a deleterious effect on protein structure/function; Has not been previously published as pathogenic or benign to our knowledge